The following is an entry in ClinVar:

NM_198129.4(LAMA3):c.7083G>A (p.Leu2361=)

Gene: LAMA3 (laminin subunit alpha 3; plus strand). Cytogenetic location: 18q11.2.
Variant type: single nucleotide variant.
Coding change: c.7083G>A on transcript NM_198129.4 (MANE Select); coding-DNA position 7083, G replaced by A.
Protein change: p.Leu2361=; no amino-acid change (leucine 2361 retained).
Molecular consequence: synonymous variant.
Genome position (GRCh38, 1-based): chr18:23,909,220, G>A. VCF-style: chr18-23909220-G-A. GRCh37 (hg19) VCF-style: chr18-21489184-G-A.
Other names: c.2256G>A (NM_000227.4); c.2256G>A, p.Leu752= (NM_000227.6); c.6915G>A, p.Leu2305= (NM_001127717.4); c.2088G>A, p.Leu696= (NM_001127718.4).
Identifiers: ClinVar variation 2741453 (VCV002741453.4), dbSNP rs751019492, ClinGen allele CA297105720.

ClinVar aggregate classification (germline): Likely benign. Review status: criteria provided, multiple submitters, no conflicts (2 of 4 stars). 2 submissions from 2 submitters: Likely benign (2). Last evaluated 2026-04-27.

Conditions:
LAMA3-related disorder. Also called: LAMA3-related disorders; LAMA3-related condition.

Allele frequency attached by ClinVar (database versions not stated): gnomAD 0.00001.
gnomAD v4.1: 8 of 1,613,444 alleles (0.0005%); highest among the groups gnomAD compares: Non-Finnish European, 0.00068%; no homozygotes.

Submissions (2):

PreventionGenetics, part of Exact Sciences
Classification: Likely benign for LAMA3-related condition. Last evaluated: 2026-04-27. Review status: criteria provided, single submitter. Criteria: ACMG Guidelines, 2015. Collection method: clinical testing. Allele origin: germline.
Comment: This variant is classified as likely benign based on ACMG/AMP sequence variant interpretation guidelines (Richards et al. 2015 PMID: 25741868, with internal and published modifications).

Labcorp Genetics (formerly Invitae), Labcorp
Classification: Likely benign. Last evaluated: 2023-03-28. Review status: criteria provided, single submitter. Criteria: Invitae Variant Classification Sherloc (09022015). Collection method: clinical testing. Allele origin: germline.